The following is an entry in ClinVar:

ClinVar aggregate classification (germline): Pathogenic (1 of 4 stars; one submission).

Conditions:
Kostmann syndrome (SCN3). Also called: KOSTMANN DISEASE; Autosomal recessive severe congenital neutropenia type 3. Identifiers: Orphanet 99749, MedGen C5235141, MONDO:0012548, OMIM 610738.

Submission:

Labcorp Genetics (formerly Invitae), Labcorp
Classification: Pathogenic for Kostmann syndrome. Last evaluated: 2022-12-17. Review status: criteria provided, single submitter. Criteria: Invitae Variant Classification Sherloc (09022015). Collection method: clinical testing. Allele origin: germline.
Comment: This variant is not present in population databases (gnomAD no frequency). This sequence change creates a premature translational stop signal (p.Glu106*) in the HAX1 gene. It is expected to result in an absent or disrupted protein product. Loss-of-function variants in HAX1 are known to be pathogenic (PMID: 17187068). This variant has not been reported in the literature in individuals affected with HAX1-related conditions. For these reasons, this variant has been classified as Pathogenic.

Literature cited by the submitters: PubMed 17187068.

NM_006118.4(HAX1):c.314dup (p.Pro105_Glu106insTer)

Gene: HAX1 (HCLS1 associated protein X-1; plus strand). Cytogenetic location: 1q21.3.
Variant type: Duplication.
Coding change: c.314dup on transcript NM_006118.4 (MANE Select); coding-DNA position 314, one base duplicated (C; older notation c.314dupC).
Protein change: p.Pro105_Glu106insTer.
Molecular consequence: frameshift variant.
Genome position (GRCh38, 1-based): chr1:154,273,596, C duplicated; the last of 2 consecutive C bases (chr1:154,273,595-154,273,596); duplicating either gives the same sequence. VCF-style (leftmost placement, unchanged base first): chr1-154273594-T-TC. GRCh37 (hg19) VCF-style: chr1-154246070-T-TC.
Other names: c.170dup, p.Pro57_Glu58insTer (NM_001018837.2).
Identifiers: ClinVar variation 2821680 (VCV002821680.3), dbSNP rs2524933144, ClinGen allele CA2739275293.